The following is an entry in ClinVar:

NM_000384.3(APOB):c.1499A>C (p.Glu500Ala)

Gene: APOB (apolipoprotein B; minus strand). Cytogenetic location: 2p24.1.
Variant type: single nucleotide variant.
Coding change: c.1499A>C on transcript NM_000384.3 (MANE Select); coding-DNA position 1499, A replaced by C.
Protein change: p.Glu500Ala; replaces glutamic acid 500 with alanine.
Molecular consequence: missense variant.
Genome position (GRCh38, 1-based): chr2:21,029,757, T>G on the plus strand (A>C on the coding strand, the complement: APOB is on the minus strand). VCF-style: chr2-21029757-T-G. GRCh37 (hg19) VCF-style: chr2-21252629-T-G.
Other names: short protein forms E500A.
Identifiers: ClinVar variation 1921773 (VCV001921773.2), dbSNP rs2465425854, ClinGen allele CA346015128.

ClinVar aggregate classification (germline): Uncertain significance (1 of 4 stars; one submission).

Conditions:
Familial hypobetalipoproteinemia 1. Also called: Hypobetalipoproteinemia, normotriglyceridemic; Acanthocytosis with hypobetalipoproteinemia; APOB-Related Familial Hypobetalipoproteinemia. Identifiers: MedGen C4551990, MONDO:0014252, OMIM 615558.
Hypercholesterolemia, autosomal dominant, type B (FHCL2). Also called: Familial Hypercholesterolemia Type B; APOLIPOPROTEIN B-100, FAMILIAL DEFECTIVE; APOLIPOPROTEIN B-100, FAMILIAL LIGAND-DEFECTIVE; HYPERCHOLESTEROLEMIA, FAMILIAL, DUE TO LIGAND-DEFECTIVE APOLIPOPROTEIN B; Familial hypercholesterolemia 2; APOB-Related Familial Hypercholesterolemia, Autosomal Dominant. Identifiers: MedGen C1704417, MONDO:0007751, OMIM 144010.

Submission:

Labcorp Genetics (formerly Invitae), Labcorp
Classification: Uncertain significance for Familial hypobetalipoproteinemia 1; Hypercholesterolemia, autosomal dominant, type B. Last evaluated: 2022-09-29. Review status: criteria provided, single submitter. Criteria: Invitae Variant Classification Sherloc (09022015). Collection method: clinical testing. Allele origin: germline.
Comment: This sequence change replaces glutamic acid, which is acidic and polar, with alanine, which is neutral and non-polar, at codon 500 of the APOB protein (p.Glu500Ala). This variant is not present in population databases (gnomAD no frequency). This variant has not been reported in the literature in individuals affected with APOB-related conditions. Algorithms developed to predict the effect of missense changes on protein structure and function are either unavailable or do not agree on the potential impact of this missense change (SIFT: "Deleterious"; PolyPhen-2: "Possibly Damaging"; Align-GVGD: "Class C0"). In summary, the available evidence is currently insufficient to determine the role of this variant in disease. Therefore, it has been classified as a Variant of Uncertain Significance.